The following is an entry in ClinVar:

ClinVar aggregate classification (germline): Pathogenic. Review status: reviewed by expert panel (3 of 4 stars). 7 submissions from 7 submitters: Pathogenic (1). 6 of the submissions do not count toward it. Last evaluated 2017-12-15.

Conditions:
Hereditary cancer-predisposing syndrome. Also called: Tumor predisposition; Hereditary Cancer Syndrome; Neoplastic Syndromes, Hereditary; Hereditary neoplastic syndrome. Identifiers: Orphanet 140162, MedGen C0027672, MeSH D009386, MONDO:0015356.
Hereditary breast ovarian cancer syndrome. Also called: Breast and ovarian cancer; Hereditary breast and ovarian cancer; Hereditary breast and ovarian cancer syndrome; Hereditary breast and/or ovarian cancer syndrome; BRCA1- and BRCA2-Associated Hereditary Breast and Ovarian Cancer; Hereditary breast and ovarian cancer syndrome (HBOC). Identifiers: Orphanet 145, MedGen C0677776, MeSH D061325, MONDO:0003582. Disease mechanism: loss of function.
Breast-ovarian cancer, familial, susceptibility to, 1 (BROVCA1). Also called: BRCA1 Hereditary Breast and Ovarian Cancer; OVARIAN CANCER, SUSCEPTIBILITY TO. Identifiers: Orphanet 145, MedGen C2676676, MONDO:0011450, OMIM 604370. Disease mechanism: loss of function.
BRCA1-related cancer predisposition. Identifiers: MedGen CN377757, MONDO:0700268.

Submissions (7):

Evidence-based Network for the Interpretation of Germline Mutant Alleles (ENIGMA)
Classification: Pathogenic for Breast-ovarian cancer, familial, susceptibility to, 1. Last evaluated: 2017-12-15. Review status: reviewed by expert panel. Criteria: ENIGMA BRCA1/2 Classification Criteria (2017-06-29). Collection method: curation. Allele origin: germline. Study: ENIGMA.
Comment: Variant allele predicted to encode a truncated non-functional protein.

Labcorp Genetics (formerly Invitae), Labcorp
Classification: Pathogenic for Hereditary breast ovarian cancer syndrome. Last evaluated: 2025-11-03. Review status: criteria provided, single submitter. Criteria: Invitae Variant Classification Sherloc (09022015). Collection method: clinical testing. Allele origin: germline. Not counted in ClinVar's aggregate classification.
Comment: This sequence change creates a premature translational stop signal (p.Lys701*) in the BRCA1 gene. It is expected to result in an absent or disrupted protein product. Loss-of-function variants in BRCA1 are known to be pathogenic (PMID: 20104584). This variant is not present in population databases (gnomAD no frequency). This variant has not been reported in the literature in individuals affected with BRCA1-related conditions. ClinVar contains an entry for this variant (Variation ID: 233241). For these reasons, this variant has been classified as Pathogenic.

Ambry Genetics
Classification: Pathogenic for Hereditary cancer-predisposing syndrome. Last evaluated: 2024-12-27. Review status: criteria provided, single submitter. Criteria: Ambry Variant Classification Scheme 2023. Collection method: clinical testing. Allele origin: germline. Not counted in ClinVar's aggregate classification.
Comment: The p.K701* pathogenic mutation (also known as c.2101A>T), located in coding exon 9 of the BRCA1 gene, results from an A to T substitution at nucleotide position 2101. This changes the amino acid from a lysine to a stop codon within coding exon 9. This variant has been reported in females with breast and/or ovarian cancer (Crawford B et al. Breast Cancer Res. Treat., 2017 Jun;163:383-390; Gallardo-Rinc&oacute;n D et al. Transl Oncol, 2020 Feb;13:212-220). This variant is considered to be rare based on population cohorts in the Genome Aggregation Database (gnomAD). In addition to the clinical data presented in the literature, this alteration is expected to result in loss of function by premature protein truncation or nonsense-mediated mRNA decay. As such, this alteration is interpreted as a disease-causing mutation.

All of Us Research Program, National Institutes of Health
Classification: Pathogenic for BRCA1-related cancer predisposition. Last evaluated: 2024-09-27. Review status: criteria provided, single submitter. Criteria: ACMG Guidelines, 2015. Collection method: clinical testing. Allele origin: germline. Inheritance: Autosomal dominant inheritance. Observed: 1 variant allele, 1 heterozygote. Not counted in ClinVar's aggregate classification.
Comment: This variant changes 1 nucleotide in exon 10 of the BRCA1 gene, creating a premature translation stop signal. This variant is expected to result in an absent or non-functional protein product. This variant has not been identified in the general population by the Genome Aggregation Database (gnomAD). Loss of BRCA1 function is a known mechanism of disease. Based on the available evidence, this variant is classified as Pathogenic.

This study involves interpretation of variants in research participants for the purpose of population health screening. Participant phenotype was not available at the time of variant classification. Additional details can be found in publication PMID: 35346344, PMCID: PMC8962531

Color Diagnostics, LLC DBA Color Health
Classification: Pathogenic for Hereditary cancer-predisposing syndrome. Last evaluated: 2024-07-16. Review status: criteria provided, single submitter. Criteria: ACMG Guidelines, 2015. Collection method: clinical testing. Allele origin: germline. Not counted in ClinVar's aggregate classification.
Comment: This variant changes 1 nucleotide in exon 10 of the BRCA1 gene, creating a premature translation stop signal. This variant is expected to result in an absent or non-functional protein product. This variant has not been identified in the general population by the Genome Aggregation Database (gnomAD). Loss of BRCA1 function is a known mechanism of disease. Based on the available evidence, this variant is classified as Pathogenic.

GeneDx
Classification: Pathogenic. Last evaluated: 2023-12-25. Review status: criteria provided, single submitter. Criteria: GeneDx Variant Classification Process June 2021. Collection method: clinical testing. Allele origin: germline. Affected: yes. Not counted in ClinVar's aggregate classification.
Comment: Nonsense variant predicted to result in protein truncation or nonsense mediated decay in a gene for which loss of function is a known mechanism of disease; Not observed at significant frequency in large population cohorts (gnomAD); Identified in individual(s) with ovarian cancer (PMID: 31869745); Truncating variants in this gene are considered pathogenic by a well-established clinical consortium and/or database; Also known as 2220A>T; This variant is associated with the following publications: (PMID: 31869745, 32377563, 20104584, 28281021, 31853058)

Quest Diagnostics Nichols Institute San Juan Capistrano
Classification: Pathogenic. Last evaluated: 2022-07-22. Review status: criteria provided, single submitter. Criteria: Quest Diagnostics criteria. Collection method: clinical testing. Allele origin: unknown. Not counted in ClinVar's aggregate classification.
Comment: This nonsense variant causes the premature termination of BRCA1 protein synthesis. This variant has not been reported in large, multi-ethnic general populations. In the published literature, the variant has been reported in individuals affected with breast and/or ovarian cancer (PMIDs: 31869745 (2020), 28281021 (2017)). Based on the available information, this variant is classified as pathogenic.

Literature cited by the submitters: PubMed 20104584 (cited by Labcorp Genetics (formerly Invitae), Labcorp); PubMed 28281021 (cited by Ambry Genetics and Quest Diagnostics Nichols Institute San Juan Capistrano); PubMed 31869745 (cited by Ambry Genetics and Quest Diagnostics Nichols Institute San Juan Capistrano).

NM_007294.4(BRCA1):c.2101A>T (p.Lys701Ter)

Gene: BRCA1 (BRCA1 DNA repair associated; minus strand). Cytogenetic location: 17q21.31.
Variant type: single nucleotide variant.
Coding change: c.2101A>T on transcript NM_007294.4 (MANE Select); coding-DNA position 2101, A replaced by T.
Protein change: p.Lys701Ter; replaces lysine 701 with a stop codon.
Molecular consequence: nonsense. On other transcripts: intron variant (137).
Genome position (GRCh38, 1-based): chr17:43,093,430, T>A on the plus strand (A>T on the coding strand, the complement: BRCA1 is on the minus strand). VCF-style: chr17-43093430-T-A. GRCh37 (hg19) VCF-style: chr17-41245447-T-A.
Other names: c.787+1314A>T (NM_001407977.1, NM_001407982.1, NM_001407970.1 and 17 more transcripts); c.646+1314A>T (NM_001408410.1, NM_001408458.1, NM_001408469.1 and 11 more transcripts); c.709+1314A>T (NM_001408415.1, NM_001408412.1, NM_001408409.1 and 2 more transcripts); c.577+1314A>T (NM_001408483.1, NM_001408481.1, NM_001408480.1 and 9 more transcripts); c.664+1314A>T (NM_001408442.1, NM_001408426.1, NM_001408436.1 and 12 more transcripts); c.1888A>T, p.Lys630Ter (NM_001407571.1, NM_001407853.1, NM_001407894.1 and 9 more transcripts); c.2101A>T, p.Lys701Ter (NM_001407581.1, NM_001407582.1, NM_001407583.1 and 30 more transcripts); c.2098A>T, p.Lys700Ter (NM_001407587.1, NM_001407590.1, NM_001407591.1 and 22 more transcripts); and 41 more; short protein forms K701*, K654*, K589*, K612*, K630*, K674*, K675*, K700*.
Identifiers: ClinVar variation 233241 (VCV000233241.25), dbSNP rs876660282, ClinGen allele CA10580635.